The following is an entry in ClinVar:

NM_006612.6(KIF1C):c.41C>T (p.Pro14Leu)

Gene: KIF1C (kinesin family member 1C; plus strand). Cytogenetic location: 17p13.2.
Variant type: single nucleotide variant.
Coding change: c.41C>T on transcript NM_006612.6 (MANE Select); coding-DNA position 41, C replaced by T.
Protein change: p.Pro14Leu; replaces proline 14 with leucine.
Molecular consequence: missense variant.
Genome position (GRCh38, 1-based): chr17:5,000,287, C>T. VCF-style: chr17-5000287-C-T. GRCh37 (hg19) VCF-style: chr17-4903582-C-T.
Other names: short protein forms P14L.
Identifiers: ClinVar variation 2444164 (VCV002444164.4), dbSNP rs2508130127, ClinGen allele CA397342270.
Genomic context (GRCh38, chr17:5,000,287, plus strand): 5'-GGGCAGGAGTGTCTGGAGCTATGGCTGGTGCCTCGGTGAAAGTGGCAGTGAGGGTTCGGC[C>T]CTTTAACGCCCGTGAGACCAGCCAGGATGCCAAGTGTGTGGTCAGCATGCAGGGCAACAC-3'
Protein context (NP_006603.2, residues 4-24): ASVKVAVRVR[Pro14Leu]FNARETSQDA

ClinVar aggregate classification (germline): Likely pathogenic (1 of 4 stars; one submission).

Conditions:
Spastic ataxia 2. Also called: Ataxia, spastic, 2, autosomal recessive. Identifiers: Orphanet 397946, MedGen C1969796, MONDO:0012651, OMIM 611302.

Submission:

3billion
Classification: Likely pathogenic for Spastic ataxia 2. Last evaluated: 2024-02-19. Review status: criteria provided, single submitter. Criteria: ACMG Guidelines, 2015. Collection method: clinical testing. Allele origin: germline. Affected: yes.
Comment: The variant is not observed in the gnomAD v2.1.1 dataset. Predicted Consequence/Location: Missense variant In silico tool predictions suggest damaging effect of the variant on gene or gene product [REVEL: 0.81 (>=0.6, sensitivity 0.68 and specificity 0.92); 3Cnet: 0.97 (>=0.6, sensitivity 0.72 and precision 0.9)]. Same nucleotide change resulting in same amino acid change has been previously reported to be associated with KIF1C-related disorder (ClinVar ID: VCV002444164 /3billion dataset). The variant has been observed in at least two similarly affected unrelated individuals (3billion dataset). Therefore, this variant is classified as Likely pathogenic according to the recommendation of ACMG/AMP guideline.